The following is an entry in ClinVar:

NM_001927.4(DES):c.644T>C (p.Val215Ala)

Gene: DES (desmin; plus strand). Cytogenetic location: 2q35.
Variant type: single nucleotide variant.
Coding change: c.644T>C on transcript NM_001927.4 (MANE Select); coding-DNA position 644, T replaced by C.
Protein change: p.Val215Ala; replaces valine 215 with alanine.
Molecular consequence: missense variant. On other transcripts: intron variant (1).
Genome position (GRCh38, 1-based): chr2:219,420,255, T>C. VCF-style: chr2-219420255-T-C. GRCh37 (hg19) VCF-style: chr2-220284977-T-C.
Other names: c.641T>C, p.Val214Ala (NM_001382708.1); c.644T>C, p.Val215Ala (NM_001382709.1, NM_001382710.1, NM_001382711.1 and 1 more transcripts); c.496-270T>C (NM_001382713.1); short protein forms V214A, V215A.
Identifiers: ClinVar variation 4613957 (VCV004613957.1).
Genomic context (GRCh38, chr2:219,420,255, plus strand): 5'-TGCTCTGCCCCACCTGGGTGGCGGTGACCATGTCCTTCTCGCTTGGCCTCTCCCAGGACG[T>C]GGATGCAGCTACTCTAGCTCGCATTGACCTGGAGCGCAGAATTGAATCTCTCAACGAGGA-3'
Protein context (NP_001918.3, residues 205-225): ENNLAAFRAD[Val215Ala]DAATLARIDL

ClinVar aggregate classification (germline): Uncertain significance (1 of 4 stars; one submission).

Conditions:
Cardiovascular phenotype. Identifiers: MedGen CN230736.

gnomAD v4.1: 1 of 1,614,198 alleles (0.000062%); highest among the groups gnomAD compares: African/African-American, 0.0013%; no homozygotes.

Submission:

Ambry Genetics
Classification: Uncertain significance for Cardiovascular phenotype. Last evaluated: 2025-09-17. Review status: criteria provided, single submitter. Criteria: Ambry Variant Classification Scheme 2023. Collection method: clinical testing. Allele origin: germline.
Comment: The p.V215A variant (also known as c.644T>C), located in coding exon 3 of the DES gene, results from a T to C substitution at nucleotide position 644. The valine at codon 215 is replaced by alanine, an amino acid with similar properties. This amino acid position is conserved. In addition, this alteration is predicted to be deleterious by in silico analysis. Based on the available evidence, the clinical significance of this variant remains unclear.